The following is an entry in ClinVar:

ClinVar aggregate classification (germline): Uncertain significance (1 of 4 stars; one submission).

Conditions:
Cranioectodermal dysplasia 1 (CED1). Also called: LEVIN SYNDROME I. Identifiers: Orphanet 1515, MedGen C0432235, MONDO:0021093, OMIM 218330.

Allele frequency attached by ClinVar (database versions not stated): TOPMed 0.00005; gnomAD 0.00007; 1000 Genomes Project 0.00020; 1000 Genomes Project 30x 0.00031.
gnomAD v4.1: 13 of 1,613,756 alleles (0.00081%); highest among the groups gnomAD compares: African/African-American, 0.016%; no homozygotes.

Submission:

Labcorp Genetics (formerly Invitae), Labcorp
Classification: Uncertain significance for Cranioectodermal dysplasia 1. Last evaluated: 2025-10-17. Review status: criteria provided, single submitter. Criteria: Invitae Variant Classification Sherloc (09022015). Collection method: clinical testing. Allele origin: germline.
Comment: This sequence change replaces asparagine, which is neutral and polar, with histidine, which is basic and polar, at codon 153 of the IFT122 protein (p.Asn153His). This variant is present in population databases (rs189625391, gnomAD 0.01%). This variant has not been reported in the literature in individuals affected with IFT122-related conditions. ClinVar contains an entry for this variant (Variation ID: 3022532). Invitae Evidence Modeling of protein sequence and biophysical properties (such as structural, functional, and spatial information, amino acid conservation, physicochemical variation, residue mobility, and thermodynamic stability) indicates that this missense variant is expected to disrupt IFT122 protein function with a positive predictive value of 80%. In summary, the available evidence is currently insufficient to determine the role of this variant in disease. Therefore, it has been classified as a Variant of Uncertain Significance.

NM_052989.3(IFT122):c.304A>C (p.Asn102His)

Gene: IFT122 (intraflagellar transport 122; plus strand). Cytogenetic location: 3q21.3.
Variant type: single nucleotide variant.
Coding change: c.304A>C on transcript NM_052989.3 (MANE Select); coding-DNA position 304, A replaced by C.
Protein change: p.Asn102His; replaces asparagine 102 with histidine.
Molecular consequence: missense variant. On other transcripts: 5 prime UTR variant (2), intron variant (3).
Genome position (GRCh38, 1-based): chr3:129,461,259, A>C. VCF-style: chr3-129461259-A-C. GRCh37 (hg19) VCF-style: chr3-129180102-A-C.
Other names: c.457A>C, p.Asn153His (NM_001280541.2, NM_052985.4); c.-147A>C (NM_001280545.2, NM_001280546.2); c.304A>C, p.Asn102His (NM_001410808.1, NM_001410809.1, NM_001410810.1 and 3 more transcripts); c.194-2301A>C (NM_052990.3, NM_001410815.1, NM_001410817.1); short protein forms N102H, N153H.
Identifiers: ClinVar variation 3022532 (VCV003022532.3), dbSNP rs189625391, ClinGen allele CA82657382.